The following is an entry in ClinVar:

NM_000051.4(ATM):c.3703C>T (p.Pro1235Ser)

Gene: ATM (ATM serine/threonine kinase; plus strand). Cytogenetic location: 11q22.3.
Variant type: single nucleotide variant.
Coding change: c.3703C>T on transcript NM_000051.4 (MANE Select); coding-DNA position 3703, C replaced by T.
Protein change: p.Pro1235Ser; replaces proline 1235 with serine.
Molecular consequence: missense variant.
Genome position (GRCh38, 1-based): chr11:108,282,836, C>T. VCF-style: chr11-108282836-C-T. GRCh37 (hg19) VCF-style: chr11-108153563-C-T.
Other names: c.3703C>T, p.Pro1235Ser (NM_001351834.2); short protein forms P1235S.
Identifiers: ClinVar variation 481253 (VCV000481253.21), dbSNP rs779095853, ClinGen allele CA6265334.
Genomic context (GRCh38, chr11:108,282,836, plus strand): 5'-GATTATCTGGTTTTGGAATGGCTAAATCTTCAAGATACTGAATACAACTTATCTTCTTTT[C>T]CTTTTATTTTATTAAACTACACAAATATTGAGGATTTCTATAGGTAAGTTTATACATGAC-3'
Protein context (NP_000042.3, residues 1225-1245): QDTEYNLSSF[Pro1235Ser]FILLNYTNIE

ClinVar aggregate classification (germline): Uncertain significance. Review status: criteria provided, multiple submitters, no conflicts (2 of 4 stars). 3 submissions from 3 submitters: Uncertain significance (2). 1 of the submissions does not count toward it. Last evaluated 2025-02-20.

Conditions:
Hereditary cancer-predisposing syndrome. Also called: Hereditary neoplastic syndrome; Neoplastic Syndromes, Hereditary; Tumor predisposition; Hereditary Cancer Syndrome. Identifiers: Orphanet 140162, MedGen C0027672, MeSH D009386, MONDO:0015356.
Ataxia-telangiectasia syndrome (AT). Also called: LOUIS-BAR SYNDROME; Cerebello-oculocutaneous telangiectasia; Immunodeficiency with ataxia telangiectasia; AT, COMPLEMENTATION GROUP C; Ataxia-telangiectasia, complementation group D; ATAXIA-TELANGIECTASIA, COMPLEMENTATION GROUP A. Identifiers: Orphanet 100, MedGen C0004135, MONDO:0008840, OMIM 208900.

Allele frequency attached by ClinVar (database versions not stated): gnomAD exomes 0.00001; ExAC 0.00002.
gnomAD v4.1: 4 of 1,535,764 alleles (0.00026%); highest among the groups gnomAD compares: Non-Finnish European, 0.00036%; no homozygotes.

Submissions (3):

Labcorp Genetics (formerly Invitae), Labcorp
Classification: Uncertain significance for Ataxia-telangiectasia syndrome. Last evaluated: 2025-02-20. Review status: criteria provided, single submitter. Criteria: Invitae Variant Classification Sherloc (09022015). Collection method: clinical testing. Allele origin: germline.
Comment: This sequence change replaces proline, which is neutral and non-polar, with serine, which is neutral and polar, at codon 1235 of the ATM protein (p.Pro1235Ser). This variant is present in population databases (rs779095853, gnomAD 0.002%). This missense change has been observed in individual(s) with breast cancer (PMID: 31882575). ClinVar contains an entry for this variant (Variation ID: 481253). Invitae Evidence Modeling of protein sequence and biophysical properties (such as structural, functional, and spatial information, amino acid conservation, physicochemical variation, residue mobility, and thermodynamic stability) has been performed for this missense variant. However, the output from this modeling did not meet the statistical confidence thresholds required to predict the impact of this variant on ATM protein function. In summary, the available evidence is currently insufficient to determine the role of this variant in disease. Therefore, it has been classified as a Variant of Uncertain Significance.

Ambry Genetics
Classification: Uncertain significance for Hereditary cancer-predisposing syndrome. Last evaluated: 2024-12-06. Review status: criteria provided, single submitter. Criteria: Ambry Variant Classification Scheme 2023. Collection method: clinical testing. Allele origin: germline.
Comment: The p.P1235S variant (also known as c.3703C>T), located in coding exon 24 of the ATM gene, results from a C to T substitution at nucleotide position 3703. The proline at codon 1235 is replaced by serine, an amino acid with similar properties. This amino acid position is highly conserved in available vertebrate species. In addition, the in silico prediction for this alteration is inconclusive. Based on the available evidence, the clinical significance of this variant remains unclear.

Natera, Inc.
Classification: Uncertain significance for Ataxia-telangiectasia. Last evaluated: 2019-10-28. Review status: no assertion criteria provided. Collection method: clinical testing. Allele origin: germline. Not counted in ClinVar's aggregate classification.

Literature cited by the submitters: PubMed 31882575 (cited by Labcorp Genetics (formerly Invitae), Labcorp).